The following is an entry in ClinVar:

ClinVar aggregate classification (germline): Conflicting classifications of pathogenicity. Review status: criteria provided, conflicting classifications (1 of 4 stars). 3 submissions from 3 submitters: Uncertain significance (1); Likely benign (2). Last evaluated 2024-11-02.

Conditions:
Genitopatellar syndrome (GTPTS). Also called: Genitopatellar syndrome (GPS); ABSENT PATELLAE, SCROTAL HYPOPLASIA, RENAL ANOMALIES, FACIAL DYSMORPHISM, AND MENTAL RETARDATION. Identifiers: Orphanet 85201, MedGen C1853566, MONDO:0011640, OMIM 606170.
Left ventricular noncompaction. Identifiers: Orphanet 54260, MedGen C1960469, MONDO:0018901, HP:0030682.
Inborn genetic diseases. Identifiers: MedGen C0950123, MeSH D030342.

Allele frequency attached by ClinVar (database versions not stated): gnomAD 0.00001; ExAC 0.00002; gnomAD exomes 0.00002; TOPMed 0.00002.
gnomAD v4.1: 33 of 1,614,122 alleles (0.002%); highest among the groups gnomAD compares: African/African-American, 0.0027%; no homozygotes.

Submissions (3):

Labcorp Genetics (formerly Invitae), Labcorp
Classification: Uncertain significance for Genitopatellar syndrome. Last evaluated: 2024-11-02. Review status: criteria provided, single submitter. Criteria: Invitae Variant Classification Sherloc (09022015). Collection method: clinical testing. Allele origin: germline.
Comment: This sequence change replaces glutamine, which is neutral and polar, with lysine, which is basic and polar, at codon 1765 of the KAT6B protein (p.Gln1765Lys). This variant is present in population databases (rs764959222, gnomAD 0.007%). This variant has not been reported in the literature in individuals affected with KAT6B-related conditions. ClinVar contains an entry for this variant (Variation ID: 3112773). An algorithm developed to predict the effect of missense changes on protein structure and function (PolyPhen-2) suggests that this variant is likely to be disruptive. In summary, the available evidence is currently insufficient to determine the role of this variant in disease. Therefore, it has been classified as a Variant of Uncertain Significance.

Ambry Genetics
Classification: Likely benign for Inborn genetic diseases. Last evaluated: 2024-02-26. Review status: criteria provided, single submitter. Criteria: Ambry Variant Classification Scheme 2023. Collection method: clinical testing. Allele origin: germline.

Cambridge Genomics Laboratory, East Genomic Laboratory Hub, NHS Genomic Medicine Service
Classification: Likely benign for Left ventricular noncompaction. Last evaluated: 2020-02-11. Review status: criteria provided, single submitter. Criteria: ACGS Best Practice Guidelines for Variant Classification in Rare Disease 2020. Collection method: clinical testing. Allele origin: germline. Affected: yes. Observed: 1 variant allele.

NM_012330.4(KAT6B):c.5293C>A (p.Gln1765Lys)

Gene: KAT6B (lysine acetyltransferase 6B; plus strand). Cytogenetic location: 10q22.2.
Variant type: single nucleotide variant.
Coding change: c.5293C>A on transcript NM_012330.4 (MANE Select); coding-DNA position 5293, C replaced by A.
Protein change: p.Gln1765Lys; replaces glutamine 1765 with lysine.
Molecular consequence: missense variant.
Genome position (GRCh38, 1-based): chr10:75,030,117, C>A. VCF-style: chr10-75030117-C-A. GRCh37 (hg19) VCF-style: chr10-76789875-C-A.
Other names: c.4255C>A, p.Gln1419Lys (NM_001370132.1); c.3604C>A, p.Gln1202Lys (NM_001370133.1); c.3208C>A, p.Gln1070Lys (NM_001370134.1); c.2950C>A, p.Gln984Lys (NM_001370135.1); c.5293C>A, p.Gln1765Lys (NM_001370136.1, NM_001370137.1); c.4744C>A, p.Gln1582Lys (NM_001370138.1, NM_001256468.2); c.4417C>A, p.Gln1473Lys (NM_001370139.1, NM_001370140.1, NM_001370141.1 and 2 more transcripts); c.4228C>A, p.Gln1410Lys (NM_001370143.1, NM_001370144.1); short protein forms Q1419K, Q1473K, Q1410K, Q1070K, Q1765K, Q984K, Q1202K, Q1582K.
Identifiers: ClinVar variation 3112773 (VCV003112773.4), dbSNP rs764959222, ClinGen allele CA5565167.